The following is an entry in ClinVar:

NM_001372078.1(REV3L):c.58C>T (p.Leu20=)

Genes: REV3L (REV3 like, DNA directed polymerase zeta catalytic subunit; minus strand), LOC129996991 (ATAC-STARR-seq lymphoblastoid silent region 17477; plus strand). Cytogenetic location: 6q21.
Variant type: single nucleotide variant.
Coding change: c.58C>T on transcript NM_001372078.1 (MANE Select); coding-DNA position 58, C replaced by T.
Protein change: p.Leu20=; no amino-acid change (leucine 20 retained).
Molecular consequence: synonymous variant. On other transcripts: 5 prime UTR variant (2).
Genome position (GRCh38, 1-based): chr6:111,482,831, G>A on the plus strand (C>T on the coding strand, the complement: REV3L is on the minus strand). VCF-style: chr6-111482831-G-A. GRCh37 (hg19) VCF-style: chr6-111804034-G-A.
Other names: c.-412C>T (NM_001286431.2); c.-305C>T (NM_001286432.2); c.58C>T, p.Leu20= (NM_002912.5).
Identifiers: ClinVar variation 3353621 (VCV003353621.1).

ClinVar aggregate classification (germline): Likely benign (0 of 4 stars; one submission).

Conditions:
REV3L-related disorder. Also called: REV3L-related condition.

gnomAD v4.1: 2 of 1,507,932 alleles (0.00013%); highest among the groups gnomAD compares: African/African-American, 0.0015%; no homozygotes.

Submission:

PreventionGenetics, part of Exact Sciences
Classification: Likely benign for REV3L-related condition. Last evaluated: 2024-05-02. Review status: no assertion criteria provided. Collection method: clinical testing. Allele origin: germline.
Comment: This variant is classified as likely benign based on ACMG/AMP sequence variant interpretation guidelines (Richards et al. 2015 PMID: 25741868, with internal and published modifications).